The following is an entry in ClinVar:

NM_182943.3(PLOD2):c.1359-5T>A

Gene: PLOD2 (procollagen-lysine,2-oxoglutarate 5-dioxygenase 2; minus strand). Cytogenetic location: 3q24.
Variant type: single nucleotide variant.
Coding change: c.1359-5T>A on transcript NM_182943.3 (MANE Select); 5 bases into the intron before coding-DNA position 1359, T replaced by A.
Molecular consequence: intron variant.
Genome position (GRCh38, 1-based): chr3:146,079,262, A>T on the plus strand (T>A on the coding strand, the complement: PLOD2 is on the minus strand). VCF-style: chr3-146079262-A-T. GRCh37 (hg19) VCF-style: chr3-145797049-A-T.
Other names: c.1359-5T>A (NM_000935.3).
Identifiers: ClinVar variation 1441136 (VCV001441136.3), dbSNP rs375301396, ClinGen allele CA2654913.

ClinVar aggregate classification (germline): Uncertain significance (1 of 4 stars; one submission).

gnomAD v4.1: 11 of 1,598,448 alleles (0.00069%); highest among the groups gnomAD compares: Admixed American, 0.0033%; no homozygotes.

Submission:

Labcorp Genetics (formerly Invitae), Labcorp
Classification: Uncertain significance. Last evaluated: 2022-10-04. Review status: criteria provided, single submitter. Criteria: Invitae Variant Classification Sherloc (09022015). Collection method: clinical testing. Allele origin: germline.
Comment: This sequence change falls in intron 12 of the PLOD2 gene. It does not directly change the encoded amino acid sequence of the PLOD2 protein. This variant is present in population databases (rs375301396, gnomAD no frequency). This variant has not been reported in the literature in individuals affected with PLOD2-related conditions. ClinVar contains an entry for this variant (Variation ID: 1441136). Algorithms developed to predict the effect of sequence changes on RNA splicing suggest that this variant may create or strengthen a splice site. In summary, the available evidence is currently insufficient to determine the role of this variant in disease. Therefore, it has been classified as a Variant of Uncertain Significance.